The following is an entry in ClinVar:

ClinVar aggregate classification (germline): Uncertain significance (1 of 4 stars; one submission).

gnomAD v4.1: 7 of 1,607,068 alleles (0.00044%); highest among the groups gnomAD compares: Non-Finnish European, 0.00051%; no homozygotes.

Submission:

Women's Health and Genetics/Laboratory Corporation of America, LabCorp
Classification: Uncertain significance. Last evaluated: 2025-06-26. Review status: criteria provided, single submitter. Criteria: LabCorp Variant Classification Summary - May 2015. Collection method: clinical testing. Allele origin: germline.
Comment: Variant summary: ACAN c.7670G>C (p.Arg2557Pro) results in a non-conservative amino acid change in the encoded protein sequence. Algorithms developed to predict the effect of missense changes on protein structure and function are either unavailable or do not agree on the potential impact of this missense change. The variant allele was found at a frequency of 4.3e-06 in 234766 control chromosomes (gnomAD). The available data on variant occurrences in the general population are insufficient to allow any conclusion about variant significance. To our knowledge, no occurrence of c.7670G>C in individuals affected with ACAN-Related Disorders and no experimental evidence demonstrating its impact on protein function have been reported. No submitters have cited clinical-significance assessments for this variant to ClinVar. Based on the evidence outlined above, the variant was classified as uncertain significance.

NM_001369268.1(ACAN):c.7670G>C (p.Arg2557Pro)

Gene: ACAN (aggrecan; plus strand). Cytogenetic location: 15q26.1.
Variant type: single nucleotide variant.
Coding change: c.7670G>C on transcript NM_001369268.1 (MANE Select); coding-DNA position 7670, G replaced by C.
Protein change: p.Arg2557Pro; replaces arginine 2557 with proline.
Molecular consequence: missense variant.
Genome position (GRCh38, 1-based): chr15:88,874,444, G>C. VCF-style: chr15-88874444-G-C. GRCh37 (hg19) VCF-style: chr15-89417675-G-C.
Other names: c.7259G>C, p.Arg2420Pro (NM_001135.4); c.7442G>C, p.Arg2481Pro (NM_001411096.1); c.7556G>C, p.Arg2519Pro (NM_001411097.1, NM_013227.4); short protein forms R2420P, R2481P, R2519P, R2557P.
Identifiers: ClinVar variation 3907508 (VCV003907508.1).